The following is an entry in ClinVar:

ClinVar aggregate classification (germline): Likely pathogenic (1 of 4 stars; one submission).

Allele frequency attached by ClinVar (database versions not stated): gnomAD exomes below 0.00001; TOPMed below 0.00001; gnomAD 0.00001.
gnomAD v4.1: 2 of 1,613,966 alleles (0.00012%); highest among the groups gnomAD compares: Non-Finnish European, 0.00017%; no homozygotes.

Submission:

GeneDx
Classification: Likely pathogenic. Last evaluated: 2022-06-23. Review status: criteria provided, single submitter. Criteria: GeneDx Variant Classification Process June 2021. Collection method: clinical testing. Allele origin: germline. Affected: yes.
Comment: Nonsense variant predicted to result in protein truncation in a gene or region of a gene for which loss of function is not a well-established mechanism of disease; Not observed at significant frequency in large population cohorts (gnomAD); Has not been previously published as pathogenic or benign to our knowledge

NM_003620.4(PPM1D):c.1570C>T (p.Gln524Ter)

Gene: PPM1D (protein phosphatase, Mg2+/Mn2+ dependent 1D; plus strand). Cytogenetic location: 17q23.2.
Variant type: single nucleotide variant.
Coding change: c.1570C>T on transcript NM_003620.4 (MANE Select); coding-DNA position 1570, C replaced by T.
Protein change: p.Gln524Ter; replaces glutamine 524 with a stop codon.
Molecular consequence: nonsense.
Genome position (GRCh38, 1-based): chr17:60,663,304, C>T. VCF-style: chr17-60663304-C-T. GRCh37 (hg19) VCF-style: chr17-58740665-C-T.
Other names: short protein forms Q524*.
Identifiers: ClinVar variation 1693011 (VCV001693011.2), dbSNP rs2031562776, ClinGen allele CA400458200.
Genomic context (GRCh38, chr17:60,663,304, plus strand): 5'-ACAAACACTGTCATGGACCAAAAAAATTTGAAGATGTCAACTCCTGGCCAAATGAAAGCC[C>T]AAGAAATTGAAAGAACCCCTCCAACAAACTTTAAAAGGACATTAGAAGAGTCCAATTCTG-3'